The following is an entry in ClinVar:

NM_000059.4(BRCA2):c.9413dup (p.Leu3138fs)

Gene: BRCA2 (BRCA2 DNA repair associated; plus strand). Cytogenetic location: 13q13.1.
Variant type: Duplication.
Coding change: c.9413dup on transcript NM_000059.4 (MANE Select); coding-DNA position 9413, one base duplicated (T; older notation c.9413dupT).
Protein change: p.Leu3138fs; shifts the reading frame from leucine 3138.
Molecular consequence: frameshift variant.
Genome position (GRCh38, 1-based): chr13:32,394,845, T duplicated; the last of 3 consecutive T bases (chr13:32,394,843-32,394,845); duplicating any one gives the same sequence. VCF-style (leftmost placement, unchanged base first): chr13-32394842-C-CT. GRCh37 (hg19) VCF-style: chr13-32968979-C-CT.
Other names: 9641insT- ter3149; c.9413_9414insT (NM_000059.3); c.9413dupT (NM_000059.3); short protein forms L3138fs.
Identifiers: ClinVar variation 231901 (VCV000231901.25), dbSNP rs876659435, ClinGen allele CA10579832.
Genomic context (GRCh38, chr13:32,394,842, plus strand): 5'-ATATGTTAATTGCTGCAAGCAACCTCCAGTGGCGACCAGAATCCAAATCAGGCCTTCTTA[C>CT]TTTATTTGCTGGAGATTTTTCTGTGTTTTCTGCTAGTCCAAAAGAGGGCCACTTTCAAGA-3'

ClinVar aggregate classification (germline): Pathogenic. Review status: reviewed by expert panel (3 of 4 stars). 10 submissions from 10 submitters: Pathogenic (1). 9 of the submissions do not count toward it. Last evaluated 2016-10-18.

Conditions:
Hereditary cancer-predisposing syndrome. Also called: Tumor predisposition; Neoplastic Syndromes, Hereditary; Hereditary Cancer Syndrome; Hereditary neoplastic syndrome. Identifiers: Orphanet 140162, MedGen C0027672, MeSH D009386, MONDO:0015356.
Hereditary breast ovarian cancer syndrome. Also called: Hereditary breast and ovarian cancer; Hereditary breast and ovarian cancer syndrome (HBOC); Breast and ovarian cancer; BRCA1- and BRCA2-Associated Hereditary Breast and Ovarian Cancer; Hereditary breast and ovarian cancer syndrome; Hereditary breast and/or ovarian cancer syndrome. Identifiers: Orphanet 145, MedGen C0677776, MeSH D061325, MONDO:0003582. Disease mechanism: loss of function.
Breast-ovarian cancer, familial, susceptibility to, 2 (BROVCA2). Also called: BRCA2 Hereditary Breast and Ovarian Cancer. Identifiers: Orphanet 145, MedGen C2675520, MONDO:0012933, OMIM 612555. Disease mechanism: loss of function.
Malignant tumor of breast. Also called: Malignant breast neoplasm; Cancer breast. Identifiers: MedGen C0006142, MONDO:0007254. Disease mechanism: loss of function.

Submissions (10):

Evidence-based Network for the Interpretation of Germline Mutant Alleles (ENIGMA)
Classification: Pathogenic for Breast-ovarian cancer, familial, susceptibility to, 2. Last evaluated: 2016-10-18. Review status: reviewed by expert panel. Criteria: ENIGMA BRCA1/2 Classification Criteria (2015). Collection method: curation. Allele origin: germline.
Comment: Variant allele predicted to encode a truncated non-functional protein.

Ambry Genetics
Classification: Pathogenic for Hereditary cancer-predisposing syndrome. Last evaluated: 2026-09-09. Review status: criteria provided, single submitter. Criteria: Ambry Variant Classification Scheme 2023. Collection method: clinical testing. Allele origin: germline. Not counted in ClinVar's aggregate classification.
Comment: The c.9413dupT pathogenic mutation, located in coding exon 24 of the BRCA2 gene, results from a duplication of T at nucleotide position 9413, causing a translational frameshift with a predicted alternate stop codon (p.L3138Ffs*12). This variant was reported in individual(s) with features consistent with BRCA2-related cancer predisposition (Marks JL et al. J. Thorac. Oncol. 2008 Jul;3(7):805; Concolino P et al. Clin. Chim. Acta 2014 Nov; 437:72-7). This variant is considered to be rare based on population cohorts in the Genome Aggregation Database (gnomAD). This alteration is expected to result in loss of function by premature protein truncation or nonsense-mediated mRNA decay. As such, this alteration is interpreted as a disease-causing mutation.

GeneDx
Classification: Pathogenic. Last evaluated: 2026-01-20. Review status: criteria provided, single submitter. Criteria: GeneDx Variant Classification Process June 2021. Collection method: clinical testing. Allele origin: germline. Not counted in ClinVar's aggregate classification.
Comment: Frameshift variant predicted to result in protein truncation or nonsense mediated decay in a gene for which loss of function is a known mechanism of disease; Truncating variants in this gene are considered pathogenic by a well-established clinical consortium and/or database; Not observed at significant frequency in large population cohorts (gnomAD); Also known as 9641dup; This variant is associated with the following publications: (PMID: 31892343, 18594331, 30713775, 25007954, 26306726, 32438681, 37851290, 38642551)

Color Diagnostics, LLC DBA Color Health
Classification: Pathogenic for Hereditary cancer-predisposing syndrome. Last evaluated: 2025-06-23. Review status: criteria provided, single submitter. Criteria: ACMG Guidelines, 2015. Collection method: clinical testing. Allele origin: germline. Not counted in ClinVar's aggregate classification.
Comment: This variant inserts 1 nucleotide in exon 25 of the BRCA2 gene, creating a frameshift and premature translation stop signal. This variant is expected to result in an absent or non-functional protein product. This variant has been reported in a hereditary breast and ovarian cancer family and in an individual affected with lung cancer with a family history of breast, lung and skin cancer (PMID: 18594331, 25007954). This variant has not been identified in the general population by the Genome Aggregation Database (gnomAD). Loss of BRCA2 function is a known mechanism of disease. Based on the available evidence, this variant is classified as Pathogenic.

Labcorp Genetics (formerly Invitae), Labcorp
Classification: Pathogenic for Hereditary breast ovarian cancer syndrome. Last evaluated: 2024-09-22. Review status: criteria provided, single submitter. Criteria: Invitae Variant Classification Sherloc (09022015). Collection method: clinical testing. Allele origin: germline. Not counted in ClinVar's aggregate classification.
Comment: This sequence change creates a premature translational stop signal (p.Leu3138Phefs*12) in the BRCA2 gene. It is expected to result in an absent or disrupted protein product. Loss-of-function variants in BRCA2 are known to be pathogenic (PMID: 20104584). This variant is not present in population databases (gnomAD no frequency). This premature translational stop signal has been observed in individual(s) with breast and ovarian cancer and lung adenocarcinoma and a family history of breast and lung cancer (PMID: 18594331, 25007954, 26306726). This variant is also known as c.9413_9414insT (p.Leu3138_Phe3139?fs) and 9641insT. ClinVar contains an entry for this variant (Variation ID: 231901). For these reasons, this variant has been classified as Pathogenic.

Women's Health and Genetics/Laboratory Corporation of America, LabCorp
Classification: Pathogenic for Hereditary breast ovarian cancer syndrome. Last evaluated: 2024-09-12. Review status: criteria provided, single submitter. Criteria: LabCorp Variant Classification Summary - May 2015. Collection method: clinical testing. Allele origin: germline. Not counted in ClinVar's aggregate classification.
Comment: Variant summary: BRCA2 c.9413dupT (p.Leu3138PhefsX12; also described as c.9413_9414insT in the literature) results in a premature termination codon, predicted to cause a truncation of the encoded protein or absence of the protein due to nonsense mediated decay, which are commonly known mechanisms for disease. The variant was absent in 251358 control chromosomes (gnomAD). c.9413dupT has been reported in the literature in several individuals affected with Hereditary Breast and Ovarian Cancer Syndrome (example: Rebbeck_2018). The following publication has been ascertained in the context of this evaluation (PMID: 29446198). ClinVar contains an entry for this variant (Variation ID: 231901). Based on the evidence outlined above, the variant was classified as pathogenic.

KCCC/NGS Laboratory, Kuwait Cancer Control Center
Classification: Pathogenic for Breast-ovarian cancer, familial, susceptibility to, 2. Last evaluated: 2023-06-06. Review status: criteria provided, single submitter. Criteria: ACMG Guidelines, 2015. Collection method: clinical testing. Allele origin: germline. Affected: yes. Not counted in ClinVar's aggregate classification.
Comment: A known pathogenic mutation was detected in the BRCA2 gene (p.Leu3138fs). This sequence change results from a duplication of T at nucleotide position 9413 which located in coding exon 25 of the BRCA2 gene, causing a translational frameshift with a predicted alternate stop codon (p.L3138Ffs*12). This mutation has been reported in breast and breast/ovarian cancer families (PMID: 18594331, 30713775, 25007954, 26306726, 32438681). This variant known as c.9413_9414insT (c.9413dup)and c.9641insT in published literature. This variant submitted in Clinvar (ID:231901) by seven clinical laboratories all classify it as pathogenic variant . In addition to the clinical data presented in the literature, this alteration is expected to result in loss of function by premature protein truncation or nonsense-mediated mRNA decay. Therefore, this variant has been classified as Pathogenic.

Sema4
Classification: Pathogenic for Hereditary cancer-predisposing syndrome. Last evaluated: 2022-03-13. Review status: criteria provided, single submitter. Criteria: Sema4 Curation Guidelines. Collection method: curation. Allele origin: germline. Not counted in ClinVar's aggregate classification.
Comment: The BRCA2 c.9413dupT (p.L3138FfsX12) variant has been reported in multiple patients with breast and/or ovarian cancer (PMID: 26306726, 30713775). This variant causes a frameshift at amino acid 3138 that results in premature termination 12 amino acids downstream. At this location, this variant is predicted to cause loss of normal protein function either through protein truncation or nonsense-mediated mRNA decay. Loss of function of the BRCA2 gene is an established disease mechanism in HBOC (PMID: 29446198). This variant is not reported in the population database Genome Aggregation Database (PMID: 32461654). This variant has been reported in ClinVar (Variation ID: 231901). Based on the current evidence available, this variant is interpreted as pathogenic.

Consortium of Investigators of Modifiers of BRCA1/2 (CIMBA), c/o University of Cambridge
Classification: Pathogenic for Breast-ovarian cancer, familial, susceptibility to, 2. Last evaluated: 2015-10-02. Review status: criteria provided, single submitter. Criteria: CIMBA Mutation Classification guidelines May 2016. Collection method: clinical testing. Allele origin: germline. Not counted in ClinVar's aggregate classification.

Department of Pathology and Laboratory Medicine, Sinai Health System
Classification: Pathogenic for Malignant tumor of breast. Review status: no assertion criteria provided. Collection method: clinical testing. Allele origin: unknown. Affected: yes. Study: The Canadian Open Genetics Repository (COGR). Not counted in ClinVar's aggregate classification.
Comment: The BRCA2 p.Leu3138PhefsX1 variant was identified by Marks et al (2008) in an individual with metastatic lung adenocarcinoma and a family history of HBOC and lung cancer. The variant was not identified in the dbSNP, NHLBI Exome Sequencing Project (Exome Variant Server), Exome Aggregation Consortium (ExAC), HGMD, LOVD, COSMIC, ClinVar, Clinvitae, ARUP Laboratories BRCA Mutations Database, GeneInsight COGR, BIC or UMD. The p.Leu3138PhefsX12 duplication variant is predicted to cause a frameshift, which alters the protein's amino acid sequence beginning at codon 3138 and leads to a premature stop codon 12 codons downstream. This alteration is then predicted to result in a truncated or absent protein and loss of function. Loss of function variants of the BRCA2 gene are an established mechanism of disease in hereditary breast and ovarian cancer and is the type of variant expected to cause the disorder. In summary, based on the above information, this variant meets our laboratoryâ€šÃ„Ã´s criteria to be classified as pathogenic.

Literature cited by the submitters: PubMed 18594331 (cited by 3 submitters); PubMed 25007954 (cited by 3 submitters); PubMed 20104584 (cited by Labcorp Genetics (formerly Invitae), Labcorp); PubMed 26306726 (cited by Labcorp Genetics (formerly Invitae), Labcorp and Sema4); PubMed 29446198 (cited by Women's Health and Genetics/Laboratory Corporation of America, LabCorp and Sema4); PubMed 30713775 (cited by Sema4).